The following is an entry in ClinVar:

NM_001386795.1(DTNA):c.676C>T (p.Pro226Ser)

Gene: DTNA (dystrobrevin alpha; plus strand). Cytogenetic location: 18q12.1.
Variant type: single nucleotide variant.
Coding change: c.676C>T on transcript NM_001386795.1 (MANE Select); coding-DNA position 676, C replaced by T.
Protein change: p.Pro226Ser; replaces proline 226 with serine.
Molecular consequence: missense variant. On other transcripts: intron variant (1).
Genome position (GRCh38, 1-based): chr18:34,815,981, C>T. VCF-style: chr18-34815981-C-T. GRCh37 (hg19) VCF-style: chr18-32395945-C-T.
Other names: c.676C>T, p.Pro226Ser (NM_001128175.2, NM_001198938.2, NM_001198939.2 and 34 more transcripts); c.603+3868C>T (NM_001198945.2); short protein forms P226S.
Identifiers: ClinVar variation 4687397 (VCV004687397.2).
Genomic context (GRCh38, chr18:34,815,981, plus strand): 5'-TTAAATGGTTTCTTGGACACGCTTATGTCAGATCCTCCCCCGCAGTGTCTGGTCTGGTTG[C>T]CTCTTCTGCATCGACTAGCAAATGTGGAAAATGGTGAGTAGTTACTAAGGAGCAAAGGTG-3'
Protein context (NP_001373724.1, residues 216-236): DPPPQCLVWL[Pro226Ser]LLHRLANVEN

ClinVar aggregate classification (germline): Uncertain significance. Review status: criteria provided, multiple submitters, no conflicts (2 of 4 stars). 2 submissions from 2 submitters: Uncertain significance (2). Last evaluated 2025-10-09.

Conditions:
Left ventricular noncompaction 1 (LVNC1). Also called: LEFT VENTRICULAR NONCOMPACTION 1 WITH OR WITHOUT CONGENITAL HEART DEFECTS. Identifiers: Orphanet 54260, MedGen C1858725, MONDO:0011403, OMIM 604169.

Submissions (2):

Women's Health and Genetics/Laboratory Corporation of America, LabCorp
Classification: Uncertain significance. Last evaluated: 2025-10-09. Review status: criteria provided, single submitter. Criteria: LabCorp Variant Classification Summary - May 2015. Collection method: clinical testing. Allele origin: germline.
Comment: Variant summary: DTNA c.676C>T (p.Pro226Ser) results in a non-conservative amino acid change in the encoded protein sequence. Algorithms developed to predict the effect of missense changes on protein structure and function all suggest that this variant is likely to be disruptive. The variant was absent in 251436 control chromosomes. The available data on variant occurrences in the general population are insufficient to allow any conclusion about variant significance. To our knowledge, no occurrence of c.676C>T in individuals affected with DTNA-related conditions and no experimental evidence demonstrating its impact on protein function have been reported. No submitters have cited clinical-significance assessments for this variant to ClinVar. Based on the evidence outlined above, the variant was classified as uncertain significance.

Labcorp Genetics (formerly Invitae), Labcorp
Classification: Uncertain significance for Left ventricular noncompaction 1. Last evaluated: 2025-05-29. Review status: criteria provided, single submitter. Criteria: Invitae Variant Classification Sherloc (09022015). Collection method: clinical testing. Allele origin: germline.
Comment: This sequence change replaces proline, which is neutral and non-polar, with serine, which is neutral and polar, at codon 226 of the DTNA protein (p.Pro226Ser). This variant is not present in population databases (gnomAD no frequency). This variant has not been reported in the literature in individuals affected with DTNA-related conditions. Invitae Evidence Modeling of protein sequence and biophysical properties (such as structural, functional, and spatial information, amino acid conservation, physicochemical variation, residue mobility, and thermodynamic stability) indicates that this missense variant is not expected to disrupt DTNA protein function with a negative predictive value of 80%. In summary, the available evidence is currently insufficient to determine the role of this variant in disease. Therefore, it has been classified as a Variant of Uncertain Significance.